The following is an entry in ClinVar:

NM_014712.3(SETD1A):c.652C>A (p.Arg218Ser)

Gene: SETD1A (SET domain containing 1A, histone lysine methyltransferase; plus strand). Cytogenetic location: 16p11.2.
Variant type: single nucleotide variant.
Coding change: c.652C>A on transcript NM_014712.3 (MANE Select); coding-DNA position 652, C replaced by A.
Protein change: p.Arg218Ser; replaces arginine 218 with serine.
Molecular consequence: missense variant.
Genome position (GRCh38, 1-based): chr16:30,964,106, C>A. VCF-style: chr16-30964106-C-A. GRCh37 (hg19) VCF-style: chr16-30975427-C-A.
Other names: short protein forms R218S.
Identifiers: ClinVar variation 3602545 (VCV003602545.1).
Genomic context (GRCh38, chr16:30,964,106, plus strand): 5'-TGGTGTTTGAGCCCATTCCTCTCTCCTTGCCCTGCTCTGTCGCTCTAGGCCGAATCCCGC[C>A]GCCGCTCTTCCTCTGACACAGCTGCCTACCCAGCAGGCACCACTGCGGTGGGCACTCCTG-3'
Protein context (NP_055527.1, residues 208-228): GAATETAESR[Arg218Ser]RSSSDTAAYP

ClinVar aggregate classification (germline): Uncertain significance (1 of 4 stars; one submission).

Submission:

GeneDx
Classification: Uncertain significance. Last evaluated: 2024-08-02. Review status: criteria provided, single submitter. Criteria: GeneDx Variant Classification Process June 2021. Collection method: clinical testing. Allele origin: germline. Affected: yes.
Comment: Not observed at significant frequency in large population cohorts (gnomAD); In silico analysis supports that this missense variant has a deleterious effect on protein structure/function; Has not been previously published as pathogenic or benign to our knowledge